The following is an entry in ClinVar:

ClinVar aggregate classification (germline): Uncertain significance (1 of 4 stars; one submission).

Conditions:
VPS13B-related disorder. Also called: VPS13B-related condition.

gnomAD v4.1: 2 of 1,614,072 alleles (0.00012%); highest among the groups gnomAD compares: Admixed American, 0.0017%; no homozygotes.

Submission:

PreventionGenetics, part of Exact Sciences
Classification: Uncertain significance for VPS13B-related condition. Last evaluated: 2026-01-05. Review status: criteria provided, single submitter. Criteria: ACMG Guidelines, 2015. Collection method: clinical testing. Allele origin: germline.
Comment: The VPS13B c.2587A>C variant is predicted to result in the amino acid substitution p.Thr863Pro. To our knowledge, this variant has not been reported in the literature. This variant is reported in 0.0033% of alleles in individuals of South Asian descent in gnomAD. At this time, the clinical significance of this variant is uncertain due to the absence of conclusive functional and genetic evidence.

NM_152564.5(VPS13B):c.2587A>C (p.Thr863Pro)

Gene: VPS13B (vacuolar protein sorting 13 homolog B; plus strand). Cytogenetic location: 8q22.2.
Variant type: single nucleotide variant.
Coding change: c.2587A>C on transcript NM_152564.5 (MANE Select); coding-DNA position 2587, A replaced by C.
Protein change: p.Thr863Pro; replaces threonine 863 with proline.
Molecular consequence: missense variant.
Genome position (GRCh38, 1-based): chr8:99,274,269, A>C. VCF-style: chr8-99274269-A-C. GRCh37 (hg19) VCF-style: chr8-100286497-A-C.
Other names: c.2587A>C, p.Thr863Pro (NM_017890.5); short protein forms T863P.
Identifiers: ClinVar variation 4978544 (VCV004978544.1).